The following is an entry in ClinVar:

NM_018180.3(DHX32):c.2222C>A (p.Thr741Asn)

Genes: DHX32 (DEAH-box helicase 32 (putative); minus strand), BCCIP (BRCA2 and CDKN1A interacting protein; plus strand). Cytogenetic location: 10q26.2.
Variant type: single nucleotide variant.
Coding change: c.2222C>A on transcript NM_018180.3 (MANE Select); coding-DNA position 2222, C replaced by A.
Protein change: p.Thr741Asn; replaces threonine 741 with asparagine.
Molecular consequence: missense variant. On other transcripts: intron variant (2).
Genome position (GRCh38, 1-based): chr10:125,836,697, G>T on the plus strand (C>A on the coding strand, the complement: DHX32 is on the minus strand). VCF-style: chr10-125836697-G-T. GRCh37 (hg19) VCF-style: chr10-127525266-G-T.
Other names: c.774+2751G>T (NM_016567.4, NM_078469.3); short protein forms T741N.
Identifiers: ClinVar variation 1916539 (VCV001916539.5), dbSNP rs374910849, ClinGen allele CA5738933.

ClinVar aggregate classification (germline): Uncertain significance. Review status: criteria provided, multiple submitters, no conflicts (2 of 4 stars). 2 submissions from 2 submitters: Uncertain significance (2). Last evaluated 2025-04-17.

Allele frequency attached by ClinVar (database versions not stated): ESP Exome Variant Server 0.00008.
gnomAD v4.1: 8 of 1,614,014 alleles (0.0005%); highest among the groups gnomAD compares: African/African-American, 0.011%; no homozygotes.

Submissions (2):

Labcorp Genetics (formerly Invitae), Labcorp
Classification: Uncertain significance. Last evaluated: 2025-04-17. Review status: criteria provided, single submitter. Criteria: Invitae Variant Classification Sherloc (09022015). Collection method: clinical testing. Allele origin: germline.
Comment: This sequence change replaces threonine, which is neutral and polar, with asparagine, which is neutral and polar, at codon 741 of the DHX32 protein (p.Thr741Asn). This variant is present in population databases (rs374910849, gnomAD 0.02%). This variant has not been reported in the literature in individuals affected with DHX32-related conditions. ClinVar contains an entry for this variant (Variation ID: 1916539). An algorithm developed to predict the effect of missense changes on protein structure and function (PolyPhen-2) suggests that this variant is likely to be tolerated. In summary, the available evidence is currently insufficient to determine the role of this variant in disease. Therefore, it has been classified as a Variant of Uncertain Significance.

Ambry Genetics
Classification: Uncertain significance. Last evaluated: 2024-01-23. Review status: criteria provided, single submitter. Criteria: Ambry Variant Classification Scheme 2023. Collection method: clinical testing. Allele origin: germline.